The following is an entry in ClinVar:

ClinVar aggregate classification (germline): Pathogenic (1 of 4 stars; one submission).

Submission:

Labcorp Genetics (formerly Invitae), Labcorp
Classification: Pathogenic. Last evaluated: 2024-11-08. Review status: criteria provided, single submitter. Criteria: Invitae Variant Classification Sherloc (09022015). Collection method: clinical testing. Allele origin: germline.
Comment: This sequence change creates a premature translational stop signal (p.Tyr90*) in the MPLKIP gene. It is expected to result in an absent or disrupted protein product. Loss-of-function variants in MPLKIP are known to be pathogenic (PMID: 15645389, 16977596, 25290684). This variant is not present in population databases (gnomAD no frequency). This variant has not been reported in the literature in individuals affected with MPLKIP-related conditions. For these reasons, this variant has been classified as Pathogenic.

Literature cited by the submitters: PubMed 15645389; PubMed 16977596; PubMed 25290684.

NM_138701.4(MPLKIP):c.270C>G (p.Tyr90Ter)

Gene: MPLKIP (M-phase specific PLK1 interacting protein; minus strand). Cytogenetic location: 7p14.1.
Variant type: single nucleotide variant.
Coding change: c.270C>G on transcript NM_138701.4 (MANE Select); coding-DNA position 270, C replaced by G.
Protein change: p.Tyr90Ter; replaces tyrosine 90 with a stop codon.
Molecular consequence: nonsense.
Genome position (GRCh38, 1-based): chr7:40,134,298, G>C on the plus strand (C>G on the coding strand, the complement: MPLKIP is on the minus strand). VCF-style: chr7-40134298-G-C. GRCh37 (hg19) VCF-style: chr7-40173897-G-C.
Other names: short protein forms Y90*.
Identifiers: ClinVar variation 3618196 (VCV003618196.2).
Genomic context (GRCh38, chr7:40,134,298, plus strand): 5'-GGTCTGCTGCTGCCCTGGGGAGTAGCCGAATTGCTGCTGGGACCCCGCGGGGGACCTGGA[G>C]TAGGAGCCAGGGTAGCCGCCAGGGGACGGAGACCCGAACCGGCCCCCCGGGAAGCTGCCG-3'